The following is an entry in ClinVar:

ClinVar aggregate classification (germline): Uncertain significance (1 of 4 stars; one submission).

Conditions:
Muscular dystrophy-dystroglycanopathy (congenital with brain and eye anomalies), type A9. Also called: Muscular dystrophy-dystroglycanopathy (congenital with brain and eye anomalies), type a, 9; WALKER-WARBURG SYNDROME OR MUSCLE-EYE BRAIN DISEASE, DAG1-RELATED. Identifiers: Orphanet 370997, Orphanet 899, MedGen C4225291, MONDO:0014683, OMIM 616538.
Autosomal recessive limb-girdle muscular dystrophy type 2P. Also called: Limb-Girdle Muscular Dystrophy Type 9C; MUSCULAR DYSTROPHY, LIMB-GIRDLE, TYPE 2P; MUSCULAR DYSTROPHY-DYSTROGLYCANOPATHY, LIMB-GIRDLE, DAG1-RELATED. Identifiers: Orphanet 280333, MedGen C4511963, MONDO:0013440, OMIM 613818.

Allele frequency attached by ClinVar (database versions not stated): gnomAD exomes below 0.00001.
gnomAD v4.1: 1 of 1,610,702 alleles (0.000062%); highest among the groups gnomAD compares: Admixed American, 0.0017%; no homozygotes.

Submission:

Labcorp Genetics (formerly Invitae), Labcorp
Classification: Uncertain significance for Autosomal recessive limb-girdle muscular dystrophy type 2P; Muscular dystrophy-dystroglycanopathy (congenital with brain and eye anomalies), type A9. Last evaluated: 2022-08-10. Review status: criteria provided, single submitter. Criteria: Invitae Variant Classification Sherloc (09022015). Collection method: clinical testing. Allele origin: germline.
Comment: This sequence change replaces isoleucine, which is neutral and non-polar, with threonine, which is neutral and polar, at codon 347 of the DAG1 protein (p.Ile347Thr). This variant is not present in population databases (gnomAD no frequency). This variant has not been reported in the literature in individuals affected with DAG1-related conditions. Algorithms developed to predict the effect of missense changes on protein structure and function are either unavailable or do not agree on the potential impact of this missense change (SIFT: "Tolerated"; PolyPhen-2: "Probably Damaging"; Align-GVGD: "Class C0"). In summary, the available evidence is currently insufficient to determine the role of this variant in disease. Therefore, it has been classified as a Variant of Uncertain Significance.

NM_004393.6(DAG1):c.1040T>C (p.Ile347Thr)

Gene: DAG1 (dystroglycan 1; plus strand). Cytogenetic location: 3p21.31.
Variant type: single nucleotide variant.
Coding change: c.1040T>C on transcript NM_004393.6 (MANE Select); coding-DNA position 1040, T replaced by C.
Protein change: p.Ile347Thr; replaces isoleucine 347 with threonine.
Molecular consequence: missense variant.
Genome position (GRCh38, 1-based): chr3:49,531,551, T>C. VCF-style: chr3-49531551-T-C. GRCh37 (hg19) VCF-style: chr3-49568984-T-C.
Other names: c.1040T>C, p.Ile347Thr (NM_001165928.4, NM_001177634.3, NM_001177635.3 and 9 more transcripts); short protein forms I347T.
Identifiers: ClinVar variation 1953009 (VCV001953009.2), dbSNP rs1008980041, ClinGen allele CA74522074.
Genomic context (GRCh38, chr3:49,531,551, plus strand): 5'-CAACCACGGCTATCCAGGAGCCCCCATCCAGGATCGTGCCAACCCCCACATCTCCAGCCA[T>C]TGCTCCTCCAACAGAGACCATGGCTCCTCCAGTCAGGGATCCTGTTCCTGGGAAACCCAC-3'
Protein context (NP_004384.5, residues 337-357): RIVPTPTSPA[Ile347Thr]APPTETMAPP